The following is an entry in ClinVar:

NM_014915.3(ANKRD26):c.4015A>G (p.Lys1339Glu)

Gene: ANKRD26 (ankyrin repeat domain 26; minus strand). Cytogenetic location: 10p12.1.
Variant type: single nucleotide variant.
Coding change: c.4015A>G on transcript NM_014915.3 (MANE Select); coding-DNA position 4015, A replaced by G.
Protein change: p.Lys1339Glu; replaces lysine 1339 with glutamic acid.
Molecular consequence: missense variant.
Genome position (GRCh38, 1-based): chr10:27,024,517, T>C on the plus strand (A>G on the coding strand, the complement: ANKRD26 is on the minus strand). VCF-style: chr10-27024517-T-C. GRCh37 (hg19) VCF-style: chr10-27313446-T-C.
Other names: c.4012A>G, p.Lys1338Glu (NM_001256053.2); short protein forms K1338E, K1339E.
Identifiers: ClinVar variation 5023887 (VCV005023887.1).

ClinVar aggregate classification (germline): Uncertain significance (1 of 4 stars; one submission).

Conditions:
Inborn genetic diseases. Identifiers: MedGen C0950123, MeSH D030342.

Submission:

Ambry Genetics
Classification: Uncertain significance for Inborn genetic diseases. Last evaluated: 2026-09-13. Review status: criteria provided, single submitter. Criteria: Ambry Variant Classification Scheme 2023. Collection method: clinical testing. Allele origin: germline.
Comment: The p.K1339E variant (also known as c.4015A>G), located in coding exon 28 of the ANKRD26 gene, results from an A to G substitution at nucleotide position 4015. The lysine at codon 1339 is replaced by glutamic acid, an amino acid with similar properties. This amino acid position is conserved. In addition, this alteration is predicted to be tolerated by in silico analysis. Based on the available evidence, the clinical significance of this variant remains unclear.